The following is an entry in ClinVar:

NM_178172.6(GPIHBP1):c.188T>C (p.Leu63Pro)

Gene: GPIHBP1 (glycosylphosphatidylinositol anchored high density lipoprotein binding protein 1; plus strand). Cytogenetic location: 8q24.3.
Variant type: single nucleotide variant.
Coding change: c.188T>C on transcript NM_178172.6 (MANE Select); coding-DNA position 188, T replaced by C.
Protein change: p.Leu63Pro; replaces leucine 63 with proline.
Molecular consequence: missense variant.
Genome position (GRCh38, 1-based): chr8:143,215,019, T>C. VCF-style: chr8-143215019-T-C. GRCh37 (hg19) VCF-style: chr8-144296894-T-C.
Other names: c.188T>C, p.Leu63Pro (NM_001301772.2); short protein forms L63P.
Identifiers: ClinVar variation 1782053 (VCV001782053.2), dbSNP rs2488908779, ClinGen allele CA372401956.
Genomic context (GRCh38, chr8:143,215,019, plus strand): 5'-GTGGGAGGAGACCCTGGGGGGCCCGGCCTCGGCCTGAGCCCGCCTTGTCCCCAGTGCTGC[T>C]GCGGTGCTACACCTGCAAGTCCCTGCCCAGGGACGAGCGCTGCAACCTGACGCAGAACTG-3'
Protein context (NP_835466.2, residues 53-73): RLPGGRSRVL[Leu63Pro]RCYTCKSLPR

ClinVar aggregate classification (germline): Uncertain significance (1 of 4 stars; one submission).

Conditions:
Cardiovascular phenotype. Identifiers: MedGen CN230736.

Submission:

Ambry Genetics
Classification: Uncertain significance for Cardiovascular phenotype. Last evaluated: 2022-02-11. Review status: criteria provided, single submitter. Criteria: Ambry Variant Classification Scheme 2023. Collection method: clinical testing. Allele origin: germline.
Comment: The p.L63P variant (also known as c.188T>C), located in coding exon 3 of the GPIHBP1 gene, results from a T to C substitution at nucleotide position 188. The leucine at codon 63 is replaced by proline, an amino acid with similar properties. This amino acid position is conserved. In addition, this alteration is predicted to be tolerated by in silico analysis. Since supporting evidence is limited at this time, the clinical significance of this alteration remains unclear.